The following is an entry in ClinVar:

ClinVar aggregate classification (germline): Uncertain significance (1 of 4 stars; one submission).

Conditions:
Joubert syndrome. Also called: JOUBERT-BOLTSHAUSER SYNDROME; Familial aplasia of the vermis. Identifiers: Orphanet 475, MedGen C5979921, MONDO:0018772.
Meckel-Gruber syndrome. Also called: DYSENCEPHALIA SPLANCHNOCYSTICA; GRUBER SYNDROME; Dysencephalia splachnocystica. Identifiers: Orphanet 564, MedGen C0265215, MONDO:0018921.

gnomAD v4.1: 2 of 1,611,518 alleles (0.00012%); highest among the groups gnomAD compares: Admixed American, 0.0033%; no homozygotes.

Submission:

Labcorp Genetics (formerly Invitae), Labcorp
Classification: Uncertain significance for Joubert syndrome; Meckel-Gruber syndrome. Last evaluated: 2022-10-24. Review status: criteria provided, single submitter. Criteria: Invitae Variant Classification Sherloc (09022015). Collection method: clinical testing. Allele origin: germline.
Comment: This variant is not present in population databases (gnomAD no frequency). This sequence change replaces lysine, which is basic and polar, with glutamine, which is neutral and polar, at codon 1552 of the CC2D2A protein (p.Lys1552Gln). This variant has not been reported in the literature in individuals affected with CC2D2A-related conditions. In summary, the available evidence is currently insufficient to determine the role of this variant in disease. Therefore, it has been classified as a Variant of Uncertain Significance. Algorithms developed to predict the effect of missense changes on protein structure and function (SIFT, PolyPhen-2, Align-GVGD) all suggest that this variant is likely to be tolerated. ClinVar contains an entry for this variant (Variation ID: 1424126).

NM_001378615.1(CC2D2A):c.4654A>C (p.Lys1552Gln)

Genes: CC2D2A (coiled-coil and C2 domain containing 2A; plus strand), FBXL5 (F-box and leucine rich repeat protein 5; minus strand). Cytogenetic location: 4p15.32.
Variant type: single nucleotide variant.
Coding change: c.4654A>C on transcript NM_001378615.1 (MANE Select); coding-DNA position 4654, A replaced by C.
Protein change: p.Lys1552Gln; replaces lysine 1552 with glutamine.
Molecular consequence: missense variant.
Genome position (GRCh38, 1-based): chr4:15,599,686, A>C. VCF-style: chr4-15599686-A-C. GRCh37 (hg19) VCF-style: chr4-15601309-A-C.
Other names: c.4654A>C, p.Lys1552Gln (NM_001080522.2); c.4507A>C, p.Lys1503Gln (NM_001378617.1); short protein forms K1503Q, K1552Q.
Identifiers: ClinVar variation 1424126 (VCV001424126.8), dbSNP rs2148496033, ClinGen allele CA356434643.